The following is an entry in ClinVar:

NM_004999.4(MYO6):c.78del (p.Asp27fs)

Gene: MYO6 (myosin VI; plus strand). Cytogenetic location: 6q14.1.
Variant type: Deletion.
Coding change: c.78del on transcript NM_004999.4 (MANE Select); coding-DNA position 78, one base deleted (C; older notation c.78delC).
Protein change: p.Asp27fs; shifts the reading frame from aspartic acid 27.
Molecular consequence: frameshift variant. On other transcripts: non-coding transcript variant (2).
Genome position (GRCh38, 1-based): chr6:75,817,625, C deleted; the last of 4 consecutive C bases (chr6:75,817,622-75,817,625); deleting any one gives the same sequence. VCF-style (leftmost placement, unchanged base first): chr6-75817621-GC-G. GRCh37 (hg19) VCF-style: chr6-76527338-GC-G.
Other names: c.78del, p.Asp27fs (NM_001300899.2, NM_001368136.1, NM_001368137.1 and 5 more transcripts); short protein forms D27fs.
Identifiers: ClinVar variation 930134 (VCV000930134.4), dbSNP rs1771411002, ClinGen allele CA1139659674.

ClinVar aggregate classification (germline): Likely pathogenic (1 of 4 stars; one submission).

Conditions:
Nonsyndromic genetic hearing loss. Also called: Non-syndromic genetic deafness; Nonsyndromic hearing loss and deafness; Nonsyndromic genetic deafness. Identifiers: Orphanet 87884, MedGen C5680182, MONDO:0019497.

Submission:

Laboratory for Molecular Medicine, Mass General Brigham Personalized Medicine
Classification: Likely pathogenic for Nonsyndromic genetic hearing loss. Last evaluated: 2019-11-26. Review status: criteria provided, single submitter. Criteria: LMM Criteria. Collection method: clinical testing. Allele origin: germline. Observed: 1 variant allele.
Comment: The p.Asp27ThrfsX3 variant in MYO6 has not been previously reported in individuals with hearing loss and was absent from large population studies. This frameshift variant is expected to alter the proteinâ€™s amino acid sequence beginning at position 27 and lead to a premature termination codon 3 amino acids downstream. This alteration is then predicted to lead to a truncated or absent protein. Loss of function of the MYO6 gene is an established disease mechanism in autosomal dominant hearing loss. In summary, although additional studies are required to fully establish its clinical significance, this variant meets criteria to be classified as likely pathogenic for autosomal dominant hearing loss. ACMG/AMP Criteria applied: PVS1, PM2.